The following is an entry in ClinVar:

NM_130811.4(SNAP25):c.88C>T (p.Arg30Cys)

Gene: SNAP25 (synaptosome associated protein 25; plus strand). Cytogenetic location: 20p12.2.
Variant type: single nucleotide variant.
Coding change: c.88C>T on transcript NM_130811.4 (MANE Select); coding-DNA position 88, C replaced by T.
Protein change: p.Arg30Cys; replaces arginine 30 with cysteine.
Molecular consequence: missense variant.
Genome position (GRCh38, 1-based): chr20:10,277,700, C>T. VCF-style: chr20-10277700-C-T. GRCh37 (hg19) VCF-style: chr20-10258348-C-T.
Other names: c.88C>T, p.Arg30Cys (NM_001424415.1, NM_001424416.1, NM_003081.5 and 9 more transcripts); short protein forms R30C.
Identifiers: ClinVar variation 3004518 (VCV003004518.3), dbSNP rs2514785287, ClinGen allele CA408265351.

ClinVar aggregate classification (germline): Uncertain significance (1 of 4 stars; one submission).

Conditions:
Congenital myasthenic syndrome 18. Also called: MYASTHENIC SYNDROME, CONGENITAL, 18, WITH INTELLECTUAL DISABILITY AND ATAXIA. Identifiers: Orphanet 590, MedGen C4225364, MONDO:0014590, OMIM 616330.

gnomAD v4.1: 4 of 1,613,588 alleles (0.00025%); highest among the groups gnomAD compares: Admixed American, 0.0017%; no homozygotes.

Submission:

Labcorp Genetics (formerly Invitae), Labcorp
Classification: Uncertain significance for Congenital myasthenic syndrome 18. Last evaluated: 2023-06-18. Review status: criteria provided, single submitter. Criteria: Invitae Variant Classification Sherloc (09022015). Collection method: clinical testing. Allele origin: germline.
Comment: This sequence change replaces arginine, which is basic and polar, with cysteine, which is neutral and slightly polar, at codon 30 of the SNAP25 protein (p.Arg30Cys). This variant is not present in population databases (gnomAD no frequency). This variant has not been reported in the literature in individuals affected with SNAP25-related conditions. An algorithm developed to predict the effect of missense changes on protein structure and function (PolyPhen-2) suggests that this variant is likely to be disruptive. In summary, the available evidence is currently insufficient to determine the role of this variant in disease. Therefore, it has been classified as a Variant of Uncertain Significance.